The following is an entry in ClinVar:

ClinVar aggregate classification (germline): Pathogenic (1 of 4 stars; one submission).

Conditions:
DICER1-related tumor predisposition. Also called: DICER1-related pleuropulmonary blastoma cancer predisposition syndrome; DICER1 syndrome. Identifiers: Orphanet 284343, MedGen C3839822, MONDO:0100216.

Submission:

Foulkes Cancer Genetics LDI, Lady Davis Institute for Medical Research
Classification: Pathogenic for Pleuropulmonary blastoma. Last evaluated: 2019-07-01. Review status: criteria provided, single submitter. Criteria: ACMG Guidelines, 2015. Collection method: curation. Allele origin: germline. Affected: yes. Observed: 1 variant allele.
Comment: ACMG criteria met: PVS1, PM2, PP4

Literature cited by the submitters: PubMed 28654427.

NM_177438.3(DICER1):c.2903_2904del (p.Phe968fs)

Gene: DICER1 (dicer 1, ribonuclease III; minus strand). Cytogenetic location: 14q32.13.
Variant type: Deletion.
Coding change: c.2903_2904del on transcript NM_177438.3 (MANE Select); coding-DNA positions 2903 to 2904, 2 bases deleted (TT; older notation c.2903_2904delTT).
Protein change: p.Phe968fs; shifts the reading frame from phenylalanine 968.
Molecular consequence: frameshift variant.
Genome position (GRCh38, 1-based): chr14:95,106,124-95,106,125, AA deleted on the plus strand (TT on the coding strand, the reverse complement: DICER1 is on the minus strand); deleting any 2 consecutive bases within chr14:95,106,124-95,106,127 gives the same sequence; the c. name uses the placement nearest the transcript's 3' end. VCF-style (leftmost placement, unchanged base first): chr14-95106123-CAA-C. GRCh37 (hg19) VCF-style: chr14-95572460-CAA-C.
Other names: c.2903_2904del, p.Phe968fs (NM_001195573.1, NM_001271282.3, NM_001291628.2 and 1 more transcripts); short protein forms F968fs.
Identifiers: ClinVar variation 933069 (VCV000933069.3), dbSNP rs1891400285, ClinGen allele CA1139663648.